The following is an entry in ClinVar:

NM_000090.4(COL3A1):c.929G>A (p.Arg310Gln)

Gene: COL3A1 (collagen type III alpha 1 chain; plus strand). Cytogenetic location: 2q32.2.
Variant type: single nucleotide variant.
Coding change: c.929G>A on transcript NM_000090.4 (MANE Select); coding-DNA position 929, G replaced by A.
Protein change: p.Arg310Gln; replaces arginine 310 with glutamine.
Molecular consequence: missense variant.
Genome position (GRCh38, 1-based): chr2:188,991,700, G>A. VCF-style: chr2-188991700-G-A. GRCh37 (hg19) VCF-style: chr2-189856426-G-A.
Other names: short protein forms R310Q.
Identifiers: ClinVar variation 928044 (VCV000928044.9), dbSNP rs778497667, ClinGen allele CA077081.

ClinVar aggregate classification (germline): Uncertain significance. Review status: criteria provided, multiple submitters, no conflicts (2 of 4 stars). 4 submissions from 4 submitters: Uncertain significance (4). Last evaluated 2024-07-10.

Conditions:
Ehlers-Danlos syndrome, type 4 (EDSVASC). Also called: Ehlers-Danlos syndrome vascular type; Ehlers Danlos syndrome, ecchymotic type; Ehlers Danlos syndrome, arterial type; Ehlers Danlos syndrome, Sack-Barabas type; Ehlers-Danlos Syndrome Type IV. Identifiers: Orphanet 286, MedGen C0268338, MONDO:0017314, OMIM 130050.
Polymicrogyria with or without vascular-type Ehlers-Danlos syndrome. Identifiers: Orphanet 636941, MedGen C5193040, MONDO:0032688, OMIM 618343.
Familial thoracic aortic aneurysm and aortic dissection (TAAD). Also called: Thoracic aortic aneurysms and dissections. Identifiers: Orphanet 91387, MedGen C4707243, MONDO:0019625.

Allele frequency attached by ClinVar (database versions not stated): ExAC 0.00002; gnomAD 0.00003 and 0.00004; TOPMed 0.00003.
gnomAD v4.1: 18 of 1,613,764 alleles (0.0011%); highest among the groups gnomAD compares: African/African-American, 0.0053%; no homozygotes.

Submissions (4):

All of Us Research Program, National Institutes of Health
Classification: Uncertain significance for Ehlers-Danlos syndrome, type 4. Last evaluated: 2024-07-10. Review status: criteria provided, single submitter. Criteria: ACMG Guidelines, 2015. Collection method: clinical testing. Allele origin: germline. Inheritance: Autosomal dominant inheritance. Observed: 2 variant alleles, 2 heterozygotes.
Comment: This missense variant replaces arginine with glutamine at codon 310 of the COL3A1 protein. Computational prediction tools and conservation analyses suggest that this variant may have deleterious impact on the protein function. Computational splicing tools suggest that this variant may not impact RNA splicing. To our knowledge, functional assays have not been performed for this variant nor has this variant been reported in individuals affected with cardiovascular disorders in the literature. This variant has been identified in 7/282696 chromosomes in the general population by the Genome Aggregation Database (gnomAD). Available evidence is insufficient to determine the role of this variant in disease conclusively. Therefore, this variant is classified as a Variant of Uncertain Significance.

This study involves interpretation of variants in research participants for the purpose of population health screening. Participant phenotype was not available at the time of variant classification. Additional details can be found in publication PMID: 35346344, PMCID: PMC8962531

Color Diagnostics, LLC DBA Color Health
Classification: Uncertain significance for Familial thoracic aortic aneurysm and aortic dissection. Last evaluated: 2023-12-05. Review status: criteria provided, single submitter. Criteria: ACMG Guidelines, 2015. Collection method: clinical testing. Allele origin: germline.
Comment: This missense variant replaces arginine with glutamine at codon 310 of the COL3A1 protein. Computational prediction tools and conservation analyses suggest that this variant may have deleterious impact on the protein function. Computational splicing tools suggest that this variant may not impact RNA splicing. To our knowledge, functional assays have not been performed for this variant nor has this variant been reported in individuals affected with cardiovascular disorders in the literature. This variant has been identified in 7/282696 chromosomes in the general population by the Genome Aggregation Database (gnomAD). Available evidence is insufficient to determine the role of this variant in disease conclusively. Therefore, this variant is classified as a Variant of Uncertain Significance.

Fulgent Genetics
Classification: Uncertain significance for Ehlers-Danlos syndrome, type 4; Polymicrogyria with or without vascular-type Ehlers-Danlos syndrome. Last evaluated: 2021-11-09. Review status: criteria provided, single submitter. Criteria: ACMG Guidelines, 2015. Collection method: clinical testing. Allele origin: unknown.

GeneDx
Classification: Uncertain significance. Last evaluated: 2019-12-13. Review status: criteria provided, single submitter. Criteria: GeneDx Variant Classification Process June 2021. Collection method: clinical testing. Allele origin: germline. Affected: yes.
Comment: In silico analysis, which includes protein predictors and evolutionary conservation, supports a deleterious effect; Has not been previously published as pathogenic or benign to our knowledge